The following is an entry in ClinVar:

ClinVar aggregate classification (germline): Uncertain significance (1 of 4 stars; one submission).

Conditions:
T-cell immunodeficiency, congenital alopecia, and nail dystrophy. Also called: Congenital alopecia and nail dystrophy associated with severe functional T-cell immunodeficiency; Pignata Guarino syndrome. Identifiers: Orphanet 169095, MedGen C1866426, MONDO:0011132, OMIM 601705.

Allele frequency attached by ClinVar (database versions not stated): gnomAD exomes below 0.00001 and 0.00001; TOPMed below 0.00001.
gnomAD v4.1: 6 of 1,613,874 alleles (0.00037%); highest among the groups gnomAD compares: Admixed American, 0.0083%; no homozygotes.

Submission:

Labcorp Genetics (formerly Invitae), Labcorp
Classification: Uncertain significance for T-cell immunodeficiency, congenital alopecia, and nail dystrophy. Last evaluated: 2025-01-20. Review status: criteria provided, single submitter. Criteria: Invitae Variant Classification Sherloc (09022015). Collection method: clinical testing. Allele origin: germline.
Comment: This sequence change replaces serine, which is neutral and polar, with glycine, which is neutral and non-polar, at codon 602 of the FOXN1 protein (p.Ser602Gly). This variant is present in population databases (no rsID available, gnomAD 0.003%). This variant has not been reported in the literature in individuals affected with FOXN1-related conditions. ClinVar contains an entry for this variant (Variation ID: 1004621). Invitae Evidence Modeling of protein sequence and biophysical properties (such as structural, functional, and spatial information, amino acid conservation, physicochemical variation, residue mobility, and thermodynamic stability) indicates that this missense variant is not expected to disrupt FOXN1 protein function with a negative predictive value of 80%. In summary, the available evidence is currently insufficient to determine the role of this variant in disease. Therefore, it has been classified as a Variant of Uncertain Significance.

NM_001369369.1(FOXN1):c.1804A>G (p.Ser602Gly)

Gene: FOXN1 (forkhead box N1; plus strand). Cytogenetic location: 17q11.2.
Variant type: single nucleotide variant.
Coding change: c.1804A>G on transcript NM_001369369.1 (MANE Select); coding-DNA position 1804, A replaced by G.
Protein change: p.Ser602Gly; replaces serine 602 with glycine.
Molecular consequence: missense variant.
Genome position (GRCh38, 1-based): chr17:28,537,293, A>G. VCF-style: chr17-28537293-A-G. GRCh37 (hg19) VCF-style: chr17-26864311-A-G.
Other names: c.1804A>G, p.Ser602Gly (NM_003593.3); short protein forms S602G.
Identifiers: ClinVar variation 1004621 (VCV001004621.4), dbSNP rs1340893816, ClinGen allele CA398328162.